The following is an entry in ClinVar:

NM_001378454.1(ALMS1):c.12463-11T>A

Gene: ALMS1 (ALMS1 centrosome and basal body associated protein; plus strand). Cytogenetic location: 2p13.1.
Variant type: single nucleotide variant.
Coding change: c.12463-11T>A on transcript NM_001378454.1 (MANE Select); 11 bases into the intron before coding-DNA position 12463, T replaced by A.
Molecular consequence: intron variant.
Genome position (GRCh38, 1-based): chr2:73,609,557, T>A. VCF-style: chr2-73609557-T-A. GRCh37 (hg19) VCF-style: chr2-73836684-T-A.
Other names: c.12463-11T>A (NM_015120.4).
Identifiers: ClinVar variation 2721564 (VCV002721564.4), dbSNP rs2104219363, ClinGen allele CA2577005419.
Genomic context (GRCh38, chr2:73,609,557, plus strand): 5'-AGGGAGGAGAGGCATCTGCCTCTGATGGCAGTAATATCTAACTTCTTTCCTGCCTTTCTT[T>A]TCTTCTACAGAGAGTGACCAATCAACTTCTGGGGAGAAAAGTTCCCTGGGACTGACACAA-3'

ClinVar aggregate classification (germline): Conflicting classifications of pathogenicity. Review status: criteria provided, conflicting classifications (1 of 4 stars). 2 submissions from 2 submitters: Uncertain significance (1); Likely benign (1). Last evaluated 2025-06-25.

Conditions:
Alstrom syndrome (ALMS). Identifiers: Orphanet 64, MedGen C0268425, MONDO:0008763, OMIM 203800.

Submissions (2):

GeneDx
Classification: Uncertain significance. Last evaluated: 2025-06-25. Review status: criteria provided, single submitter. Criteria: GeneDx Variant Classification Process June 2021. Collection method: clinical testing. Allele origin: germline. Affected: yes.
Comment: Not observed at significant frequency in large population cohorts (gnomAD); In silico analysis suggests that this variant does not alter splicing; Has not been previously published as pathogenic or benign to our knowledge

Labcorp Genetics (formerly Invitae), Labcorp
Classification: Likely benign for Alstrom syndrome. Last evaluated: 2023-06-01. Review status: criteria provided, single submitter. Criteria: Invitae Variant Classification Sherloc (09022015). Collection method: clinical testing. Allele origin: germline.